The following is an entry in ClinVar:

NM_001440.4(EXTL3):c.138C>T (p.Ile46=)

Gene: EXTL3 (exostosin like glycosyltransferase 3; plus strand). Cytogenetic location: 8p21.1.
Variant type: single nucleotide variant.
Coding change: c.138C>T on transcript NM_001440.4 (MANE Select); coding-DNA position 138, C replaced by T.
Protein change: p.Ile46=; no amino-acid change (isoleucine 46 retained).
Molecular consequence: synonymous variant.
Genome position (GRCh38, 1-based): chr8:28,716,197, C>T. VCF-style: chr8-28716197-C-T. GRCh37 (hg19) VCF-style: chr8-28573714-C-T.
Other names: c.138C>T (NM_001440.3).
Identifiers: ClinVar variation 1595325 (VCV001595325.11), dbSNP rs141531460, ClinGen allele CA4695936.
Genomic context (GRCh38, chr8:28,716,197, plus strand): 5'-CATCCGCCTCACGTGGCTCAGCTTCACGCTCTTTGTCATCCTGGTCTTCTTCCCGCTCAT[C>T]GCCCACTATTACCTCACCACTCTGGATGAGGCTGATGAGGCAGGCAAGCGGATTTTTGGT-3'
Protein context (NP_001431.1, residues 36-56): LFVILVFFPL[Ile46=]AHYYLTTLDE

ClinVar aggregate classification (germline): Likely benign. Review status: criteria provided, multiple submitters, no conflicts (2 of 4 stars). 3 submissions from 3 submitters: Likely benign (2). 1 of the submissions does not count toward it. Last evaluated 2025-11-19.

Conditions:
EXTL3-related disorder. Also called: EXTL3-related condition.

Allele frequency attached by ClinVar (database versions not stated): gnomAD exomes 0.00004 and 0.00011; ExAC 0.00012; gnomAD 0.00035 and 0.00036; TOPMed 0.00037; 1000 Genomes Project 0.00060; 1000 Genomes Project 30x 0.00062; ESP Exome Variant Server 0.00062.
gnomAD v4.1: 111 of 1,614,172 alleles (0.0069%); highest among the groups gnomAD compares: African/African-American, 0.11%; no homozygotes.

Submissions (3):

Labcorp Genetics (formerly Invitae), Labcorp
Classification: Likely benign. Last evaluated: 2025-11-19. Review status: criteria provided, single submitter. Criteria: Invitae Variant Classification Sherloc (09022015). Collection method: clinical testing. Allele origin: germline.

Blueprint Genetics
Classification: Likely benign. Last evaluated: 2024-06-11. Review status: criteria provided, single submitter. Criteria: ACMG Guidelines, 2015. Collection method: clinical testing. Allele origin: germline.

PreventionGenetics, part of Exact Sciences
Classification: Likely benign for EXTL3-related condition. Last evaluated: 2019-02-28. Review status: no assertion criteria provided. Collection method: clinical testing. Allele origin: germline. Not counted in ClinVar's aggregate classification.
Comment: This variant is classified as likely benign based on ACMG/AMP sequence variant interpretation guidelines (Richards et al. 2015 PMID: 25741868, with internal and published modifications).